The following is an entry in ClinVar:

ClinVar aggregate classification (germline): Uncertain significance (1 of 4 stars; one submission).

Conditions:
Schuurs-Hoeijmakers syndrome. Also called: PACS1-Related Neurodevelopmental Disorder. Identifiers: Orphanet 329224, MedGen C3554343, MONDO:0014006, OMIM 615009.

Submission:

Labcorp Genetics (formerly Invitae), Labcorp
Classification: Uncertain significance for Schuurs-Hoeijmakers syndrome. Last evaluated: 2024-09-10. Review status: criteria provided, single submitter. Criteria: Invitae Variant Classification Sherloc (09022015). Collection method: clinical testing. Allele origin: germline.
Comment: This sequence change replaces serine, which is neutral and polar, with isoleucine, which is neutral and non-polar, at codon 540 of the PACS1 protein (p.Ser540Ile). This variant is not present in population databases (gnomAD no frequency). This variant has not been reported in the literature in individuals affected with PACS1-related conditions. Invitae Evidence Modeling of protein sequence and biophysical properties (such as structural, functional, and spatial information, amino acid conservation, physicochemical variation, residue mobility, and thermodynamic stability) indicates that this missense variant is not expected to disrupt PACS1 protein function with a negative predictive value of 80%. In summary, the available evidence is currently insufficient to determine the role of this variant in disease. Therefore, it has been classified as a Variant of Uncertain Significance.

NM_018026.4(PACS1):c.1619G>T (p.Ser540Ile)

Gene: PACS1 (phosphofurin acidic cluster sorting protein 1; plus strand). Cytogenetic location: 11q13.2.
Variant type: single nucleotide variant.
Coding change: c.1619G>T on transcript NM_018026.4 (MANE Select); coding-DNA position 1619, G replaced by T.
Protein change: p.Ser540Ile; replaces serine 540 with isoleucine.
Molecular consequence: missense variant.
Genome position (GRCh38, 1-based): chr11:66,230,933, G>T. VCF-style: chr11-66230933-G-T. GRCh37 (hg19) VCF-style: chr11-65998404-G-T.
Other names: short protein forms S540I.
Identifiers: ClinVar variation 3727343 (VCV003727343.2).